The following is an entry in ClinVar:

ClinVar aggregate classification (germline): Uncertain significance (1 of 4 stars; one submission).

Conditions:
Hereditary cancer-predisposing syndrome. Also called: Hereditary Cancer Syndrome; Tumor predisposition; Hereditary neoplastic syndrome; Neoplastic Syndromes, Hereditary. Identifiers: Orphanet 140162, MedGen C0027672, MeSH D009386, MONDO:0015356.

gnomAD v4.1: 1 of 1,612,488 alleles (0.000062%); highest among the groups gnomAD compares: Non-Finnish European, 0.000085%; no homozygotes.

Submission:

Ambry Genetics
Classification: Uncertain significance for Hereditary cancer-predisposing syndrome. Last evaluated: 2024-11-22. Review status: criteria provided, single submitter. Criteria: Ambry Variant Classification Scheme 2023. Collection method: clinical testing. Allele origin: germline.
Comment: The p.H733Y variant (also known as c.2197C>T), located in coding exon 15 of the NBN gene, results from a C to T substitution at nucleotide position 2197. The histidine at codon 733 is replaced by tyrosine, an amino acid with similar properties. This amino acid position is conserved. In addition, this alteration is predicted to be tolerated by in silico analysis. Based on the available evidence, the clinical significance of this variant remains unclear.

NM_002485.5(NBN):c.2197C>T (p.His733Tyr)

Gene: NBN (nibrin; minus strand). Cytogenetic location: 8q21.3.
Variant type: single nucleotide variant.
Coding change: c.2197C>T on transcript NM_002485.5 (MANE Select); coding-DNA position 2197, C replaced by T.
Protein change: p.His733Tyr; replaces histidine 733 with tyrosine.
Molecular consequence: missense variant.
Genome position (GRCh38, 1-based): chr8:89,937,063, G>A on the plus strand (C>T on the coding strand, the complement: NBN is on the minus strand). VCF-style: chr8-89937063-G-A. GRCh37 (hg19) VCF-style: chr8-90949291-G-A.
Other names: c.1951C>T, p.His651Tyr (NM_001024688.3); short protein forms H651Y, H733Y.
Identifiers: ClinVar variation 3403081 (VCV003403081.1).